The following is an entry in ClinVar:

ClinVar aggregate classification (germline): Uncertain significance (1 of 4 stars; one submission).

Submission:

GeneDx
Classification: Uncertain significance. Last evaluated: 2023-06-21. Review status: criteria provided, single submitter. Criteria: GeneDx Variant Classification Process June 2021. Collection method: clinical testing. Allele origin: germline. Affected: yes.
Comment: Not observed at significant frequency in large population cohorts (gnomAD); In silico analysis supports that this missense variant does not alter protein structure/function; Has not been previously published as pathogenic or benign to our knowledge

NM_004444.5(EPHB4):c.989T>C (p.Val330Ala)

Gene: EPHB4 (EPH receptor B4; minus strand). Cytogenetic location: 7q22.1.
Variant type: single nucleotide variant.
Coding change: c.989T>C on transcript NM_004444.5 (MANE Select); coding-DNA position 989, T replaced by C.
Protein change: p.Val330Ala; replaces valine 330 with alanine.
Molecular consequence: missense variant.
Genome position (GRCh38, 1-based): chr7:100,819,865, A>G on the plus strand (T>C on the coding strand, the complement: EPHB4 is on the minus strand). VCF-style: chr7-100819865-A-G. GRCh37 (hg19) VCF-style: chr7-100417487-A-G.
Other names: short protein forms V330A.
Identifiers: ClinVar variation 3360186 (VCV003360186.1).